The following is an entry in ClinVar:

ClinVar aggregate classification (germline): Uncertain significance (1 of 4 stars; one submission).

Conditions:
Hereditary spherocytosis type 2. Also called: SPHEROCYTOSIS, TYPE 2, AUTOSOMAL DOMINANT. Identifiers: Orphanet 822, MedGen C2674219, MONDO:0000913, OMIM 616649.

Allele frequency attached by ClinVar (database versions not stated): gnomAD 0.00001; gnomAD exomes 0.00001; TOPMed 0.00001.
gnomAD v4.1: 13 of 1,613,838 alleles (0.00081%); highest among the groups gnomAD compares: Admixed American, 0.0083%; no homozygotes.

Submission:

Neuberg Centre For Genomic Medicine, NCGM
Classification: Uncertain significance for Hereditary spherocytosis type 2. Review status: criteria provided, single submitter. Criteria: ACMG Guidelines, 2015. Collection method: clinical testing. Allele origin: germline. Inheritance: Autosomal dominant inheritance. Affected: yes.
Comment: The observed missense c.4804G>A(p.Glu1602Lys) variant in SPTB gene has not been reported previously as a pathogenic variant nor as a benign variant, to our knowledge. The p.Glu1602Lys variant is present with allele frequency of 0.003% in gnomAD Exomes database. This variant has not been submitted to the ClinVar database. The amino acid change p.Glu1602Lys in SPTB is predicted as conserved by GERP++ and PhyloP across 100 vertebrates. The amino acid Glu at position 1602 is changed to a Lys changing protein sequence and it might alter its composition and physico-chemical properties. For these reasons, this variant has been classified as Variant of Uncertain Significance (VUS).

NM_001355436.2(SPTB):c.4804G>A (p.Glu1602Lys)

Gene: SPTB (spectrin beta, erythrocytic; minus strand). Cytogenetic location: 14q23.3.
Variant type: single nucleotide variant.
Coding change: c.4804G>A on transcript NM_001355436.2 (MANE Select); coding-DNA position 4804, G replaced by A.
Protein change: p.Glu1602Lys; replaces glutamic acid 1602 with lysine.
Molecular consequence: missense variant.
Genome position (GRCh38, 1-based): chr14:64,775,163, C>T on the plus strand (G>A on the coding strand, the complement: SPTB is on the minus strand). VCF-style: chr14-64775163-C-T. GRCh37 (hg19) VCF-style: chr14-65241881-C-T.
Other names: c.4804G>A, p.Glu1602Lys (NM_001024858.4, NM_001355437.2); short protein forms E1602K.
Identifiers: ClinVar variation 3241988 (VCV003241988.1), dbSNP rs1180402020.